The following is an entry in ClinVar:

ClinVar aggregate classification (germline): Uncertain significance. Review status: criteria provided, multiple submitters, no conflicts (2 of 4 stars). 2 submissions from 2 submitters: Uncertain significance (2). Last evaluated 2023-12-13.

Conditions:
Hereditary cancer-predisposing syndrome. Also called: Hereditary neoplastic syndrome; Tumor predisposition; Neoplastic Syndromes, Hereditary; Hereditary Cancer Syndrome. Identifiers: Orphanet 140162, MedGen C0027672, MeSH D009386, MONDO:0015356.
Microcephaly, normal intelligence and immunodeficiency (NBS). Also called: BERLIN BREAKAGE SYNDROME; Immunodeficiency, microcephaly with normal intelligence; SEEMANOVA SYNDROME II; Ataxia telangiectasia variant V1; IMMUNODEFICIENCY, MICROCEPHALY, AND CHROMOSOMAL INSTABILITY; Nijmegen breakage syndrome. Identifiers: Orphanet 647, MedGen C0398791, MONDO:0009623, OMIM 251260.

Allele frequency attached by ClinVar (database versions not stated): gnomAD exomes below 0.00001.
gnomAD v4.1: 1 of 1,613,188 alleles (0.000062%); highest among the groups gnomAD compares: Non-Finnish European, 0.000085%; no homozygotes.

Submissions (2):

Labcorp Genetics (formerly Invitae), Labcorp
Classification: Uncertain significance for Microcephaly, normal intelligence and immunodeficiency. Last evaluated: 2023-12-13. Review status: criteria provided, single submitter. Criteria: Invitae Variant Classification Sherloc (09022015). Collection method: clinical testing. Allele origin: germline.
Comment: This sequence change replaces alanine, which is neutral and non-polar, with threonine, which is neutral and polar, at codon 8 of the NBN protein (p.Ala8Thr). This variant is not present in population databases (gnomAD no frequency). This variant has not been reported in the literature in individuals affected with NBN-related conditions. ClinVar contains an entry for this variant (Variation ID: 2447147). Algorithms developed to predict the effect of missense changes on protein structure and function output the following: SIFT: "Not Available"; PolyPhen-2: "Benign"; Align-GVGD: "Not Available". The threonine amino acid residue is found in multiple mammalian species, which suggests that this missense change does not adversely affect protein function. In summary, the available evidence is currently insufficient to determine the role of this variant in disease. Therefore, it has been classified as a Variant of Uncertain Significance.

Ambry Genetics
Classification: Uncertain significance for Hereditary cancer-predisposing syndrome. Last evaluated: 2023-01-06. Review status: criteria provided, single submitter. Criteria: Ambry Variant Classification Scheme 2023. Collection method: clinical testing. Allele origin: germline.
Comment: The p.A8T variant (also known as c.22G>A), located in coding exon 1 of the NBN gene, results from a G to A substitution at nucleotide position 22. The alanine at codon 8 is replaced by threonine, an amino acid with similar properties. This amino acid position is well conserved in available vertebrate species. In addition, this alteration is predicted to be tolerated by in silico analysis. Since supporting evidence is limited at this time, the clinical significance of this alteration remains unclear.

NM_002485.5(NBN):c.22G>A (p.Ala8Thr)

Gene: NBN (nibrin; minus strand). Cytogenetic location: 8q21.3.
Variant type: single nucleotide variant.
Coding change: c.22G>A on transcript NM_002485.5 (MANE Select); coding-DNA position 22, G replaced by A.
Protein change: p.Ala8Thr; replaces alanine 8 with threonine.
Molecular consequence: missense variant. On other transcripts: 5 prime UTR variant (1).
Genome position (GRCh38, 1-based): chr8:89,984,540, C>T on the plus strand (G>A on the coding strand, the complement: NBN is on the minus strand). VCF-style: chr8-89984540-C-T. GRCh37 (hg19) VCF-style: chr8-90996768-C-T.
Other names: c.-275G>A (NM_001024688.3); short protein forms A8T.
Identifiers: ClinVar variation 2447147 (VCV002447147.5), dbSNP rs2129938188, ClinGen allele CA371664168.